The following is an entry in ClinVar:

ClinVar aggregate classification (germline): Uncertain significance (1 of 4 stars; one submission).

Conditions:
Hereditary cancer-predisposing syndrome. Also called: Tumor predisposition; Hereditary Cancer Syndrome; Hereditary neoplastic syndrome; Neoplastic Syndromes, Hereditary. Identifiers: Orphanet 140162, MedGen C0027672, MeSH D009386, MONDO:0015356.

Submission:

Ambry Genetics
Classification: Uncertain significance for Hereditary cancer-predisposing syndrome. Last evaluated: 2026-02-06. Review status: criteria provided, single submitter. Criteria: Ambry Variant Classification Scheme 2023. Collection method: clinical testing. Allele origin: germline.
Comment: The p.F136L variant (also known as c.406T>C), located in coding exon 2 of the VHL gene, results from a T to C substitution at nucleotide position 406. The phenylalanine at codon 136 is replaced by leucine, an amino acid with highly similar properties. Structural analysis indicates that this residue is part of an "aromatic tetrahedron" that greatly contributes to the structrual integrity of the protein; p.F136L was predicted to result in protein misfolding and disruption of the binding affinity of pVHL to its target (Shmueli MD et al. PLoS ONE, 2013 Jun;8:e66333). In addition, a study of protein turbidity, which is an indicator of an imbalance of protein synthesis, folding and degredation found that turbidity levels of p.F136L was 5 times greater compared to wild-type VHL in a fruit fly model (Shmueli MD et al. J Biol Methods, 2017 Apr;4:e69). This amino acid position is highly conserved in available vertebrate species. In addition, this alteration is predicted to be deleterious by in silico analysis. Based on the available evidence, the clinical significance of this variant remains unclear.

Literature cited by the submitters: PubMed 23840444; PubMed 30194449; PubMed 31453227.

NM_000551.4(VHL):c.406T>C (p.Phe136Leu)

Genes: VHL (von Hippel-Lindau tumor suppressor; plus strand), LOC107303340 (3p25 von Hippel-Lindau tumor suppressor, E3 ubiquitin protein ligase Alu-mediated recombination region; plus strand). Cytogenetic location: 3p25.3.
Variant type: single nucleotide variant.
Coding change: c.406T>C on transcript NM_000551.4 (MANE Select); coding-DNA position 406, T replaced by C.
Protein change: p.Phe136Leu; replaces phenylalanine 136 with leucine.
Molecular consequence: missense variant. On other transcripts: intron variant (2).
Genome position (GRCh38, 1-based): chr3:10,146,579, T>C. VCF-style: chr3-10146579-T-C. GRCh37 (hg19) VCF-style: chr3-10188263-T-C.
Other names: c.*18-3208T>C (NM_001354723.2); c.341-3208T>C (NM_198156.3); short protein forms F136L.
Identifiers: ClinVar variation 1737542 (VCV001737542.3), dbSNP rs1696264108, ClinGen allele CA351754038.